The following is an entry in ClinVar:

NM_024675.4(PALB2):c.2494C>T (p.His832Tyr)

Gene: PALB2 (partner and localizer of BRCA2; minus strand). Cytogenetic location: 16p12.2.
Variant type: single nucleotide variant.
Coding change: c.2494C>T on transcript NM_024675.4 (MANE Select); coding-DNA position 2494, C replaced by T.
Protein change: p.His832Tyr; replaces histidine 832 with tyrosine.
Molecular consequence: missense variant.
Genome position (GRCh38, 1-based): chr16:23,629,660, G>A on the plus strand (C>T on the coding strand, the complement: PALB2 is on the minus strand). VCF-style: chr16-23629660-G-A. GRCh37 (hg19) VCF-style: chr16-23640981-G-A.
Other names: short protein forms H832Y.
Identifiers: ClinVar variation 481183 (VCV000481183.22), dbSNP rs901786175, ClinGen allele CA279491908.

ClinVar aggregate classification (germline): Conflicting classifications of pathogenicity. Review status: criteria provided, conflicting classifications (1 of 4 stars). 5 submissions from 5 submitters: Uncertain significance (4); Likely benign (1). Last evaluated 2026-01-05.

Conditions:
Hereditary cancer-predisposing syndrome. Also called: Hereditary Cancer Syndrome; Neoplastic Syndromes, Hereditary; Tumor predisposition; Hereditary neoplastic syndrome. Identifiers: Orphanet 140162, MedGen C0027672, MeSH D009386, MONDO:0015356.
Familial cancer of breast. Also called: BREAST CANCER, FAMILIAL; Hereditary breast cancer; hereditary breast carcinoma. Identifiers: Orphanet 227535, MedGen C0346153, MONDO:0016419, OMIM 114480. Disease mechanism: loss of function.

Allele frequency attached by ClinVar (database versions not stated): gnomAD exomes below 0.00001; TOPMed below 0.00001.
gnomAD v4.1: 1 of 1,614,104 alleles (0.000062%); highest among the groups gnomAD compares: Admixed American, 0.0017%; no homozygotes.

Submissions (5):

Labcorp Genetics (formerly Invitae), Labcorp
Classification: Uncertain significance for Familial cancer of breast. Last evaluated: 2026-01-05. Review status: criteria provided, single submitter. Criteria: Invitae Variant Classification Sherloc (09022015). Collection method: clinical testing. Allele origin: germline.
Comment: This sequence change replaces histidine, which is basic and polar, with tyrosine, which is neutral and polar, at codon 832 of the PALB2 protein (p.His832Tyr). This variant is present in population databases (no rsID available, gnomAD 0.003%). This missense change has been observed in individual(s) with breast cancer (PMID: 34196900). ClinVar contains an entry for this variant (Variation ID: 481183). Invitae Evidence Modeling of protein sequence and biophysical properties (such as structural, functional, and spatial information, amino acid conservation, physicochemical variation, residue mobility, and thermodynamic stability) indicates that this missense variant is not expected to disrupt PALB2 protein function with a negative predictive value of 80%. In summary, the available evidence is currently insufficient to determine the role of this variant in disease. Therefore, it has been classified as a Variant of Uncertain Significance.

Quest Diagnostics Nichols Institute San Juan Capistrano
Classification: Uncertain significance. Last evaluated: 2025-05-20. Review status: criteria provided, single submitter. Criteria: Quest Diagnostics criteria. Collection method: clinical testing. Allele origin: unknown.
Comment: The PALB2 c.2494C>T (p.His832Tyr) variant has been reported in the published literature in an individual with breast cancer (PMID: 34196900 (2021)), as well as in a reportedly unaffected individual in a large scale breast cancer association study (PMID: 33471991 (2021), see also LOVD). The frequency of this variant in the general population (Genome Aggregation Database) is uninformative in the assessment of its pathogenicity. Analysis of this variant using bioinformatics tools for the prediction of the effect of amino acid changes on protein structure and function yielded predictions that this variant is benign. Based on the available information, we are unable to determine the clinical significance of this variant.

Ambry Genetics
Classification: Likely benign for Hereditary cancer-predisposing syndrome. Last evaluated: 2023-12-19. Review status: criteria provided, single submitter. Criteria: Ambry Variant Classification Scheme 2023. Collection method: clinical testing. Allele origin: germline.

Color Diagnostics, LLC DBA Color Health
Classification: Uncertain significance for Hereditary cancer-predisposing syndrome. Last evaluated: 2022-06-14. Review status: criteria provided, single submitter. Criteria: ACMG Guidelines, 2015. Collection method: clinical testing. Allele origin: germline.
Comment: This missense variant replaces histidine with tyrosine at codon 832 of the PALB2 protein. Computational prediction suggests that this variant may not impact protein structure and function (internally defined REVEL score threshold <= 0.5, PMID: 27666373). To our knowledge, functional studies have not been reported for this variant. This variant has been reported in two individuals affected with breast cancer and in one unaffected individual (PMID: 34196900, 33471991; Leiden Open Variation Database DB-ID PALB2_010888). This variant has been identified in 1/251194 chromosomes in the general population by the Genome Aggregation Database (gnomAD). The available evidence is insufficient to determine the role of this variant in disease conclusively. Therefore, this variant is classified as a Variant of Uncertain Significance.

Women's Health and Genetics/Laboratory Corporation of America, LabCorp
Classification: Uncertain significance. Last evaluated: 2022-04-28. Review status: criteria provided, single submitter. Criteria: LabCorp Variant Classification Summary - May 2015. Collection method: clinical testing. Allele origin: germline.
Comment: Variant summary: PALB2 c.2494C>T (p.His832Tyr) results in a conservative amino acid change in the encoded protein sequence. Five of five in-silico tools predict a benign effect of the variant on protein function. The variant allele was found at a frequency of 4e-06 in 251194 control chromosomes. The available data on variant occurrences in the general population are insufficient to allow any conclusion about variant significance. c.2494C>T has been reported in the literature in individuals affected with Breast Cancer, without strong evidence for causality (Ren_2021). This report does not provide unequivocal conclusions about association of the variant with Breast Cancer (Ren_2021). To our knowledge, no experimental evidence demonstrating an impact on protein function has been reported. Three clinical diagnostic laboratories have submitted clinical-significance assessments for this variant to ClinVar after 2014 without evidence for independent evaluation. All laboratories classified the variant as uncertain significance. Based on the evidence outlined above, the variant was classified as uncertain significance.

Literature cited by the submitters: PubMed 34196900 (cited by 5 submitters); PubMed 33471991 (cited by 3 submitters).